The following is an entry in ClinVar:

ClinVar aggregate classification (germline): Pathogenic. Review status: criteria provided, multiple submitters, no conflicts (2 of 4 stars). 3 submissions from 3 submitters: Pathogenic (3). Last evaluated 2022-05-02.

Conditions:
Hereditary cancer-predisposing syndrome. Also called: Hereditary neoplastic syndrome; Tumor predisposition; Hereditary Cancer Syndrome; Neoplastic Syndromes, Hereditary. Identifiers: Orphanet 140162, MedGen C0027672, MeSH D009386, MONDO:0015356.
Hereditary breast ovarian cancer syndrome. Also called: Hereditary breast and/or ovarian cancer syndrome; BRCA1- and BRCA2-Associated Hereditary Breast and Ovarian Cancer; Breast and ovarian cancer; Hereditary breast and ovarian cancer; Hereditary breast and ovarian cancer syndrome; Hereditary breast and ovarian cancer syndrome (HBOC). Identifiers: Orphanet 145, MedGen C0677776, MeSH D061325, MONDO:0003582. Disease mechanism: loss of function.

Submissions (3):

Ambry Genetics
Classification: Pathogenic for Hereditary cancer-predisposing syndrome. Last evaluated: 2022-05-02. Review status: criteria provided, single submitter. Criteria: Ambry Variant Classification Scheme 2023. Collection method: clinical testing. Allele origin: germline.
Comment: The p.Y3006* pathogenic mutation (also known as c.9018C>G), located in coding exon 22 of the BRCA2 gene, results from a C to G substitution at nucleotide position 9018. This changes the amino acid from a tyrosine to a stop codon within coding exon 22. This variant is considered to be rare based on population cohorts in the Genome Aggregation Database (gnomAD). This alteration is expected to result in loss of function by premature protein truncation or nonsense-mediated mRNA decay. As such, this alteration is interpreted as a disease-causing mutation.

Labcorp Genetics (formerly Invitae), Labcorp
Classification: Pathogenic for Hereditary breast ovarian cancer syndrome. Last evaluated: 2021-03-29. Review status: criteria provided, single submitter. Criteria: Invitae Variant Classification Sherloc (09022015). Collection method: clinical testing. Allele origin: germline.
Comment: For these reasons, this variant has been classified as Pathogenic. This variant has not been reported in the literature in individuals with BRCA2-related conditions. ClinVar contains an entry for this variant (Variation ID: 491369). This variant is not present in population databases (ExAC no frequency). This sequence change creates a premature translational stop signal (p.Tyr3006*) in the BRCA2 gene. It is expected to result in an absent or disrupted protein product. Loss-of-function variants in BRCA2 are known to be pathogenic (PMID: 20104584).

Color Diagnostics, LLC DBA Color Health
Classification: Pathogenic for Hereditary cancer-predisposing syndrome. Last evaluated: 2020-02-25. Review status: criteria provided, single submitter. Criteria: ACMG Guidelines, 2015. Collection method: clinical testing. Allele origin: germline.
Comment: This variant changes 1 nucleotide in exon 23 of the BRCA2 gene, creating a premature translation stop signal. This variant is expected to result in an absent or non-functional protein product. A similar nonsense variant at the same codon has been observed in individuals and families affected with breast and/or ovarian cancer (PMID: 28127413, 29446198) and prostate cancer (PMID: 30625039). This variant has not been identified in the general population by the Genome Aggregation Database (gnomAD). Loss of BRCA2 function is a known mechanism of disease. Based on the available evidence, this variant is classified as Pathogenic.

Literature cited by the submitters: PubMed 20104584 (cited by Labcorp Genetics (formerly Invitae), Labcorp).

NM_000059.4(BRCA2):c.9018C>G (p.Tyr3006Ter)

Gene: BRCA2 (BRCA2 DNA repair associated; plus strand). Cytogenetic location: 13q13.1.
Variant type: single nucleotide variant.
Coding change: c.9018C>G on transcript NM_000059.4 (MANE Select); coding-DNA position 9018, C replaced by G.
Protein change: p.Tyr3006Ter; replaces tyrosine 3006 with a stop codon.
Molecular consequence: nonsense.
Genome position (GRCh38, 1-based): chr13:32,379,814, C>G. VCF-style: chr13-32379814-C-G. GRCh37 (hg19) VCF-style: chr13-32953951-C-G.
Other names: short protein forms Y3006*.
Identifiers: ClinVar variation 491369 (VCV000491369.12), dbSNP rs80359154, ClinGen allele CA387757478.